The following is an entry in ClinVar:

NM_000038.6(APC):c.366G>T (p.Gly122=)

Gene: APC (APC regulator of Wnt signaling pathway; plus strand). Cytogenetic location: 5q22.2.
Variant type: single nucleotide variant.
Coding change: c.366G>T on transcript NM_000038.6 (MANE Select); coding-DNA position 366, G replaced by T.
Protein change: p.Gly122=; no amino-acid change (glycine 122 retained).
Molecular consequence: synonymous variant. On other transcripts: 5 prime UTR variant (4), non-coding transcript variant (2).
Genome position (GRCh38, 1-based): chr5:112,767,334, G>T. VCF-style: chr5-112767334-G-T. GRCh37 (hg19) VCF-style: chr5-112103031-G-T.
Other names: c.366G>T, p.Gly122= (NM_001127510.3, NM_001354895.2, NM_001354896.2 and 16 more transcripts); c.396G>T, p.Gly132= (NM_001127511.3, NM_001354897.2, NM_001354902.2 and 1 more transcripts); c.291G>T, p.Gly97= (NM_001354898.2, NM_001354904.2, NM_001407451.1); c.189G>T, p.Gly63= (NM_001354900.2, NM_001354901.2, NM_001354905.2 and 1 more transcripts); c.-670G>T (NM_001354906.2, NM_001407470.1, NM_001407471.1 and 1 more transcripts); c.366G>T (NM_000038.5).
Identifiers: ClinVar variation 3148398 (VCV003148398.2), dbSNP rs2149789346, ClinGen allele CA445753387.
Genomic context (GRCh38, chr5:112,767,334, plus strand): 5'-TGTATCAAGCCGTTCTGGAGAGTGCAGTCCTGTTCCTATGGGTTCATTTCCAAGAAGAGG[G>T]TTTGTAAATGGAAGCAGAGAAAGTACTGGATATTTAGAAGAACTTGAGAAAGAGAGGTAA-3'
Protein context (NP_000029.2, residues 112-132): PVPMGSFPRR[Gly122=]FVNGSRESTG

ClinVar aggregate classification (germline): Benign/Likely benign. Review status: criteria provided, multiple submitters, no conflicts (2 of 4 stars). 2 submissions from 2 submitters: Benign (1); Likely benign (1). Last evaluated 2024-11-22.

Conditions:
Hereditary cancer-predisposing syndrome. Also called: Neoplastic Syndromes, Hereditary; Tumor predisposition; Hereditary neoplastic syndrome; Hereditary Cancer Syndrome. Identifiers: Orphanet 140162, MedGen C0027672, MeSH D009386, MONDO:0015356.
Familial adenomatous polyposis 1 (FAP1). Also called: POLYPOSIS, ADENOMATOUS INTESTINAL; FAMILIAL ADENOMATOUS POLYPOSIS 1, ATTENUATED. Identifiers: MedGen C2713442, MONDO:0021056, OMIM 175100. Disease mechanism: loss of function.

Submissions (2):

Ambry Genetics
Classification: Likely benign for Hereditary cancer-predisposing syndrome. Last evaluated: 2024-11-22. Review status: criteria provided, single submitter. Criteria: Ambry Variant Classification Scheme 2023. Collection method: clinical testing. Allele origin: germline.

Myriad Genetics, Inc.
Classification: Benign for Familial adenomatous polyposis 1. Last evaluated: 2024-02-23. Review status: criteria provided, single submitter. Criteria: Myriad Autosomal Dominant, Autosomal Recessive and X-Linked Classification Criteria (2023). Collection method: clinical testing. Allele origin: unknown.
Comment: This variant is considered benign. This variant is a silent/synonymous amino acid change and it is not expected to impact splicing.